The following is an entry in ClinVar:

ClinVar aggregate classification (germline): Likely pathogenic (1 of 4 stars; one submission).

gnomAD v4.1: 7 of 1,613,944 alleles (0.00043%); highest among the groups gnomAD compares: East Asian, 0.0045%; no homozygotes.

Submission:

Labcorp Genetics (formerly Invitae), Labcorp
Classification: Likely pathogenic. Last evaluated: 2024-05-31. Review status: criteria provided, single submitter. Criteria: Invitae Variant Classification Sherloc (09022015). Collection method: clinical testing. Allele origin: germline.
Comment: This sequence change affects a donor splice site in intron 17 of the ADCY10 gene. It is expected to disrupt RNA splicing. Variants that disrupt the donor or acceptor splice site typically lead to a loss of protein function (PMID: 16199547), and loss-of-function variants in ADCY10 are known to be pathogenic (PMID: 31119281). This variant is present in population databases (rs756985055, gnomAD 0.02%). This variant has not been reported in the literature in individuals affected with ADCY10-related conditions. Algorithms developed to predict the effect of sequence changes on RNA splicing suggest that this variant may disrupt the consensus splice site. In summary, the currently available evidence indicates that the variant is pathogenic, but additional data are needed to prove that conclusively. Therefore, this variant has been classified as Likely Pathogenic.

Literature cited by the submitters: PubMed 16199547; PubMed 31119281.

NM_018417.6(ADCY10):c.2171+1G>A

Gene: ADCY10 (adenylate cyclase 10; minus strand). Cytogenetic location: 1q24.2.
Variant type: single nucleotide variant.
Coding change: c.2171+1G>A on transcript NM_018417.6 (MANE Select); the canonical splice donor site of the intron after coding-DNA position 2171, G replaced by A.
Molecular consequence: splice donor variant.
Genome position (GRCh38, 1-based): chr1:167,856,164, C>T on the plus strand (G>A on the coding strand, the complement: ADCY10 is on the minus strand). VCF-style: chr1-167856164-C-T. GRCh37 (hg19) VCF-style: chr1-167825402-C-T.
Other names: c.1895+1G>A (NM_001297772.2); c.1712+1G>A (NM_001167749.3).
Identifiers: ClinVar variation 3715352 (VCV003715352.2).